The following continues an entry in ClinVar:

NM_007194.4(CHEK2):c.541C>T (p.Arg181Cys)

Gene: CHEK2. ClinVar aggregate classification (germline): Conflicting classifications of pathogenicity. Uncertain significance (21); Benign (1); Likely benign (1).

Submissions 8 to 20 of 28:

GeneDx
Classification: Uncertain significance. Last evaluated: 2025-03-26. Review status: criteria provided, single submitter. Criteria: GeneDx Variant Classification Process June 2021. Collection method: clinical testing. Allele origin: germline. Affected: yes.
Comment: In silico analysis indicates that this missense variant does not alter protein structure/function; Not observed at significant frequency in large population cohorts (gnomAD); Also known as c.670C>T p.(R224C); Published functional studies are conflicting: some show reduced response to DNA damage and kinase activity, while others show kinase activity and DNA damage response comparable to wild-type (PMID: 16835864, 22419737, 30851065, 31050813, 37449874); Observed in individuals with CHEK2-related cancers, but also in unaffected controls (PMID: 12533788, 16835864, 16941491, 18058223, 18996005, 28779002, 29522266, 30287823, 29520813, 32923877, 33471991, 34711244, 36243179, 33309985, 32980694, 37449874); This variant is associated with the following publications: (PMID: 26822949, 16835864, 27157322, 12533788, 22419737, 18058223, 16941491, 18996005, 19782031, 21765476, 29520813, 28873162, 30851065, 31050813, 30287823, 34711244, 34426522, 36468172, 28125078, 28779002, 26580448, 29522266, 32923877, 33471991, 32980694, 36243179, 33309985, 32906206, 38630906, 37449874)

Center for Genomic Medicine, Rigshospitalet, Copenhagen University Hospital
Classification: Uncertain significance. Last evaluated: 2025-03-04. Review status: criteria provided, single submitter. Criteria: ACMG Guidelines, 2015. Collection method: clinical testing. Allele origin: germline.

German Consortium for Hereditary Breast and Ovarian Cancer, University Hospital Cologne
Classification: Benign for Hereditary breast ovarian cancer syndrome. Last evaluated: 2024-11-12. Review status: criteria provided, single submitter. Criteria: ACMG Guidelines, 2015. Collection method: curation. Allele origin: germline.
Comment: According to the ACMG SVI adaptation criteria we chose these criteria: BS1 (supporting benign): gnomAD v2 (non-cancer) South Asian 0,05%, BS3 (strong benign): Storalova (PMID: 37449874) & Delimitsou (PMID: 30851065) benign

Quest Diagnostics Nichols Institute San Juan Capistrano
Classification: Uncertain significance. Last evaluated: 2024-10-23. Review status: criteria provided, single submitter. Criteria: Quest Diagnostics criteria. Collection method: clinical testing. Allele origin: unknown.
Comment: The CHEK2 c.541C>T (p.Arg181Cys) variant has been reported in the published literature in individuals affected with breast cancer (PMID: 34711244 (2021), 33471991 (2021), see also LOVD), 32923877 (2020), 29522266 (2018), 28779002 (2017), 22419737 (2012), 18058223 (2008)), prostate cancer (PMID: 29520813 (2018), 16835864 (2006)), colon/rectal cancer (PMID: 34711244 (2021), 18996005 (2009)), and pediatric B-cell acute lymphoblastic leukemia (B-ALL) (PMID: 36468172 (2023)). This variant has also been observed in reportedly healthy individuals (PMID: 33471991 (2021), see also LOVD), 31050813 (2019), 30287823 (2018)). Assessment of experimental evidence regarding the effect of this variant on protein function is inconclusive (PMID: 36468172 (2023), 31050813 (2019), 30851065 (2019), 22419737 (2012), 16835864 (2006)). The frequency of this variant in the general population, 0.00052 (16/30612 chromosomes (Genome Aggregation Database)), is uninformative in the assessment of its pathogenicity. Analysis of this variant using bioinformatics tools for the prediction of the effect of amino acid changes on protein structure and function yielded conflicting predictions that this variant is deleterious or benign. Based on the available information, we are unable to determine the clinical significance of this variant.

Color Diagnostics, LLC DBA Color Health
Classification: Uncertain significance for Hereditary cancer-predisposing syndrome. Last evaluated: 2024-09-23. Review status: criteria provided, single submitter. Criteria: ACMG Guidelines, 2015. Collection method: clinical testing. Allele origin: germline.
Comment: This missense variant replaces arginine with cysteine at codon 181 of the CHEK2 protein. Computational prediction suggests that this variant may not impact protein structure and function. Functional studies have shown conflicting results, showing the mutant protein to be functional in in vitro kinase and DNA damage response assays (PMID: 16835864, 30851065, 31050813, 36468172, 37449874), but also exhibit partially reduced activity (PMID: 22419737), or no activity (PMID: 36468172) in similar assays. This variant has been reported in individuals affected with breast cancer (PMID: 18058223, 22419737, 29522266, 34711244), colorectal cancer (PMID: 18996005, 34711244), prostate cancer (PMID: 12533788, 16835864, 29520813), and other hereditary cancers (PMID: 26580448, 28873162, 36468172). This variant did not show a significant association with breast cancer in two case control studies (PMID: 33471991, OR=1.768, 95%CI 0.442 to 7.07; PMID: 37449874, OR 1.70 (0.77-3.86). This variant has been identified in 31/282774 chromosomes in the general population by the Genome Aggregation Database (gnomAD). The available evidence is insufficient to determine the role of this variant in disease conclusively. Therefore, this variant is classified as a Variant of Uncertain Significance.

Blueprint Genetics
Classification: Uncertain significance. Last evaluated: 2024-09-20. Review status: criteria provided, single submitter. Criteria: ACMG Guidelines, 2015. Collection method: clinical testing. Allele origin: germline.

Ambry Genetics
Classification: Uncertain significance for Hereditary cancer-predisposing syndrome. Last evaluated: 2024-08-15. Review status: criteria provided, single submitter. Criteria: Ambry Variant Classification Scheme 2023. Collection method: clinical testing. Allele origin: germline.
Comment: The p.R181C variant (also known as c.541C>T), located in coding exon 3 of the CHEK2 gene, results from a C to T substitution at nucleotide position 541. The arginine at codon 181 is replaced by cysteine, an amino acid with highly dissimilar properties. This alteration has been reported in individuals diagnosed with breast cancer, colorectal cancer, and/or prostate cancer (Zheng L et al. Hum. Mutat. 2006 Oct;27:1062-3; Wu Y et al. Prostate. 2018 Jun;78:607-615; Kleibl Z et al. Breast Cancer Res. Treat. 2008 Nov;112:159-64; Hauke J et al. Cancer Med. 2018 Apr;7:1349-1358; Kleibl Z et al. Eur. J. Cancer. 2009 Mar;45:618-24). Several yeast-based functional studies have reported this variant to result in a partial reduction in activity (Wu X et al. Hum. Mutat. 2006 Aug;27:742-7; Roeb W et al. Hum. Mol. Genet. 2012 Jun;21:2738-44), while other functional studies conducted in yeast and human cell lines have reported this variant to have a neutral impact on CHEK2 activity (Delimitsou A et al. Hum Mutat. 2019 May;40(5):631-648; Kleiblova P et al. Int J Cancer. 2019 Oct;145(7):1782-1797; Stolarova L et al. Clin Cancer Res. 2023 Aug;29(16):3037-3050). This amino acid position is poorly conserved in available vertebrate species. In addition, the in silico prediction for this alteration is inconclusive. Based on the available evidence, the clinical significance of this variant remains unclear.

Department of Pathology and Laboratory Medicine, Sinai Health System
Classification: Uncertain significance for CHEK2-related cancer predisposition. Last evaluated: 2024-04-03. Review status: criteria provided, single submitter. Criteria: ACMG Guidelines, 2015. Collection method: clinical testing. Allele origin: germline. Affected: yes.

Baylor Genetics
Classification: Uncertain significance for Familial cancer of breast. Last evaluated: 2024-03-24. Review status: criteria provided, single submitter. Criteria: ACMG Guidelines, 2015. Collection method: clinical testing. Allele origin: unknown.

KCCC/NGS Laboratory, Kuwait Cancer Control Center
Classification: Uncertain significance for Familial cancer of breast. Last evaluated: 2023-05-29. Review status: criteria provided, single submitter. Criteria: ACMG Guidelines, 2015. Collection method: clinical testing. Allele origin: unknown. Inheritance: Autosomal dominant inheritance. Affected: yes.
Comment: a variant of uncertain significance was detected in the CHEK2 gene (c.541C>T). This sequence change replaces arginine, which is basic and polar, with cysteine, which is neutral and slightly polar, at codon 181 of the CHEK2 protein (p.Arg181Cys).This amino acid position is poorly conserved(PhyloP=2.3). This variant is present in population databases (rs137853010, gnomAD 0.05%), and has an allele count higher than expected for a pathogenic variant. This missense change has been observed in individual(s) with breast, ovarian and colorectal cancer (PMID: 18058223, 18996005, 22419737, 29522266). ClinVar contains an entry for this variant (Variation ID: 5597). In addition, this alteration is predicted to be tolerated by in silico analysis. In summary, the available evidence is currently insufficient to determine the role of this variant in disease. Therefore, it has been classified as a Variant of Uncertain Significance.

Myriad Genetics, Inc.
Classification: Uncertain significance for Familial cancer of breast. Last evaluated: 2023-03-09. Review status: criteria provided, single submitter. Criteria: Myriad Autosomal Dominant, Autosomal Recessive and X-Linked Classification Criteria (2023). Collection method: clinical testing. Allele origin: unknown.
Comment: This variant is classified as a variant of uncertain significance as there is insufficient evidence to determine its impact on protein function and/or cancer risk.

Clinical Genetics Laboratory, Skane University Hospital Lund
Classification: Uncertain significance. Last evaluated: 2022-05-27. Review status: criteria provided, single submitter. Criteria: ACMG Guidelines, 2015. Collection method: clinical testing. Allele origin: germline. Affected: yes.

MGZ Medical Genetics Center
Classification: Uncertain significance for Familial cancer of breast. Last evaluated: 2022-05-13. Review status: criteria provided, single submitter. Criteria: ACMG Guidelines, 2015. Collection method: clinical testing. Allele origin: germline. Affected: yes. Observed: 1 variant allele.
Comment: ACMG criteria applied: PM2_SUP, BP4